The following is an entry in ClinVar:

NM_006363.6(SEC23B):c.2008C>T (p.Arg670Cys)

Gene: SEC23B (SEC23 homolog B, COPII component; plus strand). Cytogenetic location: 20p11.23.
Variant type: single nucleotide variant.
Coding change: c.2008C>T on transcript NM_006363.6 (MANE Select); coding-DNA position 2008, C replaced by T.
Protein change: p.Arg670Cys; replaces arginine 670 with cysteine.
Molecular consequence: missense variant.
Genome position (GRCh38, 1-based): chr20:18,554,250, C>T. VCF-style: chr20-18554250-C-T. GRCh37 (hg19) VCF-style: chr20-18534894-C-T.
Other names: p.Arg670Cys; c.2008C>T, p.Arg670Cys (NM_001172745.3, NM_032985.6, NM_032986.5); c.1954C>T, p.Arg652Cys (NM_001172746.3); short protein forms R652C, R670C.
Identifiers: ClinVar variation 966754 (VCV000966754.10), dbSNP rs752037101, ClinGen allele CA9778573.

ClinVar aggregate classification (germline): Conflicting classifications of pathogenicity. Review status: criteria provided, conflicting classifications (1 of 4 stars). 3 submissions from 3 submitters: Uncertain significance (2); Likely benign (1). Last evaluated 2025-10-28.

Conditions:
Inborn genetic diseases. Identifiers: MedGen C0950123, MeSH D030342.
Congenital dyserythropoietic anemia, type II (CDAN2). Also called: DYSERYTHROPOIETIC ANEMIA, HEMPAS TYPE. Identifiers: Orphanet 98873, MedGen C1306589, MONDO:0009134, OMIM 224100.
Cowden syndrome 7 (CWS7). Identifiers: Orphanet 201, MedGen C4225179, MONDO:0014802, OMIM 616858.

Allele frequency attached by ClinVar (database versions not stated): gnomAD 0.00002; gnomAD exomes 0.00002 and 0.00007; TOPMed 0.00005; ExAC 0.00010.
gnomAD v4.1: 29 of 1,614,008 alleles (0.0018%); highest among the groups gnomAD compares: East Asian, 0.036%; no homozygotes.

Submissions (3):

Mayo Clinic Laboratories, Mayo Clinic
Classification: Uncertain significance. Last evaluated: 2025-10-28. Review status: criteria provided, single submitter. Criteria: ACMG Guidelines, 2015. Collection method: clinical testing. Allele origin: germline. Observed: 1 variant allele.
Comment: PM2_supporting

Labcorp Genetics (formerly Invitae), Labcorp
Classification: Likely benign for Congenital dyserythropoietic anemia, type II; Cowden syndrome 7. Last evaluated: 2025-06-16. Review status: criteria provided, single submitter. Criteria: Invitae Variant Classification Sherloc (09022015). Collection method: clinical testing. Allele origin: germline.

Ambry Genetics
Classification: Uncertain significance for Inborn genetic diseases. Last evaluated: 2023-12-01. Review status: criteria provided, single submitter. Criteria: Ambry Variant Classification Scheme 2023. Collection method: clinical testing. Allele origin: germline.